The following is an entry in ClinVar:

NM_005263.5(GFI1):c.989A>T (p.His330Leu)

Gene: GFI1 (growth factor independent 1 transcriptional repressor; minus strand). Cytogenetic location: 1p22.1.
Variant type: single nucleotide variant.
Coding change: c.989A>T on transcript NM_005263.5 (MANE Select); coding-DNA position 989, A replaced by T.
Protein change: p.His330Leu; replaces histidine 330 with leucine.
Molecular consequence: missense variant.
Genome position (GRCh38, 1-based): chr1:92,478,689, T>A on the plus strand (A>T on the coding strand, the complement: GFI1 is on the minus strand). VCF-style: chr1-92478689-T-A. GRCh37 (hg19) VCF-style: chr1-92944246-T-A.
Other names: c.989A>T, p.His330Leu (NM_001127215.3, NM_001127216.3); short protein forms H330L.
Identifiers: ClinVar variation 3853699 (VCV003853699.1).
Genomic context (GRCh38, chr1:92,478,689, plus strand): 5'-TGGAACCTCTTGCCACAGTACTGACAGGGGTAGGGCCGAGTGTCTGAGTGGATAAGCAGG[T>A]GTGTGGACAGTGTGGATGACCTCTTGAAGCTCTTCCCACAGATCTTACAGTCAAAGCTCC-3'
Protein context (NP_005254.2, residues 320-340): SFKRSSTLST[His330Leu]LLIHSDTRPY

ClinVar aggregate classification (germline): Uncertain significance (1 of 4 stars; one submission).

gnomAD v4.1: 1 of 1,613,316 alleles (0.000062%); no homozygotes.

Submission:

Ambry Genetics
Classification: Uncertain significance. Last evaluated: 2025-01-26. Review status: criteria provided, single submitter. Criteria: Ambry Variant Classification Scheme 2023. Collection method: clinical testing. Allele origin: germline.
Comment: The p.H330L variant (also known as c.989A>T), located in coding exon 5 of the GFI1 gene, results from an A to T substitution at nucleotide position 989. The histidine at codon 330 is replaced by leucine, an amino acid with similar properties. This amino acid position is conserved. In addition, this alteration is predicted to be deleterious by in silico analysis. Based on the available evidence, the clinical significance of this variant remains unclear.